The following is an entry in ClinVar:

ClinVar aggregate classification (germline): not provided (0 of 4 stars; one submission).

Submission:

GeneDx
No classification provided. Last evaluated: 2013-05-30. Review status: no classification provided. Criteria: GeneDx Variant Classification (06012015). Collection method: clinical testing. Allele origin: germline. Affected: yes.
Comment: Missense variants in the TTN gene are considered 'unclassified' if they are not previously reported in the literature and do not have >1% frequency in the population to be considered a polymorphism. Research indicates that truncating mutations in the TTN gene are expected to account for approximately 25% of familial and 18% of sporadic idiopathic DCM; however, truncating variants in the TTN gene have been reported in approximately 3% of reported control alleles. There has been little investigation into non-truncating variants. (Herman D et al. Truncations of titin causing dilated cardiomyopathy. N Eng J Med 366:619-628, 2012) The variant is found in DCM panel(s).

NM_001267550.2(TTN):c.77356_77357delinsAT (p.Ala25786Ile)

Genes: TTN (titin; minus strand), TTN-AS1 (TTN antisense RNA 1; plus strand). Cytogenetic location: 2q31.2.
Variant type: Indel.
Coding change: c.77356_77357delinsAT on transcript NM_001267550.2 (MANE Select); coding-DNA positions 77356 to 77357, GC replaced by AT.
Protein change: p.Ala25786Ile; replaces alanine 25786 with isoleucine.
Molecular consequence: missense variant.
Genome position (GRCh38, 1-based): chr2:178,568,775-178,568,776, GC replaced by AT on the plus strand (GC replaced by AT on the coding strand, the reverse complement: TTN is on the minus strand). VCF-style: chr2-178568775-GC-AT. GRCh37 (hg19) VCF-style: chr2-179433502-GC-AT.
Other names: p.A24145I:GCA>ATA; c.50161_50162delinsAT, p.Ala16721Ile (NM_003319.4); c.69652_69653delinsAT, p.Ala23218Ile (NM_133378.4); c.50536_50537delinsAT, p.Ala16846Ile (NM_133432.3); c.50737_50738delinsAT, p.Ala16913Ile (NM_133437.4); short protein forms A16721I, A25786I, A16846I, A16913I, A23218I.
Identifiers: ClinVar variation 202879 (VCV000202879.1), dbSNP rs794729503, ClinGen allele CA310569.
Genomic context (GRCh38, chr2:178,568,775, plus strand): 5'-CTACTGAATGCAGGTTTTACATCTGGCTCAATTACCAGATCTTTGGCAACTATTGGAACT[GC>AT]AAGGGACCGAGGATCACTTCTCCCCTTTTCATTTACAGCAACAACTCTAAAAAGATATTC-3'
Protein context (NP_001254479.2, residues 25776-25796): EKGRSDPRSL[Ala25786Ile]VPIVAKDLVI